The following is an entry in ClinVar:

NM_194248.3(OTOF):c.4023+7C>T

Gene: OTOF (otoferlin; minus strand). Cytogenetic location: 2p23.3.
Variant type: single nucleotide variant.
Coding change: c.4023+7C>T on transcript NM_194248.3 (MANE Select); 7 bases into the intron after coding-DNA position 4023, C replaced by T.
Molecular consequence: intron variant.
Genome position (GRCh38, 1-based): chr2:26,470,586, G>A on the plus strand (C>T on the coding strand, the complement: OTOF is on the minus strand). VCF-style: chr2-26470586-G-A. GRCh37 (hg19) VCF-style: chr2-26693454-G-A.
Other names: c.4023+7C>T (NM_001287489.2); c.1722+7C>T (NM_194323.3, NM_004802.4); c.1953+7C>T (NM_194322.3).
Identifiers: ClinVar variation 164848 (VCV000164848.8), dbSNP rs370239223, ClinGen allele CA177549.

ClinVar aggregate classification (germline): Likely benign. Review status: criteria provided, multiple submitters, no conflicts (2 of 4 stars). 2 submissions from 2 submitters: Likely benign (2). Last evaluated 2023-10-22.

Allele frequency attached by ClinVar (database versions not stated): gnomAD exomes 0.00001; TOPMed 0.00001; ExAC 0.00002; ESP Exome Variant Server 0.00008.
gnomAD v4.1: 8 of 1,614,084 alleles (0.0005%); highest among the groups gnomAD compares: Non-Finnish European, 0.00068%; no homozygotes.

Submissions (2):

Labcorp Genetics (formerly Invitae), Labcorp
Classification: Likely benign. Last evaluated: 2023-10-22. Review status: criteria provided, single submitter. Criteria: Invitae Variant Classification Sherloc (09022015). Collection method: clinical testing. Allele origin: germline.

Laboratory for Molecular Medicine, Mass General Brigham Personalized Medicine
Classification: Likely benign. Last evaluated: 2013-10-06. Review status: criteria provided, single submitter. Criteria: LMM Criteria. Collection method: clinical testing. Allele origin: germline. Observed: 1 variant allele.
Comment: 4023+7C>T in Exon 32 of OTOF: This variant is not expected to have clinical sign ificance because it is not located within the conserved region of the splice con sensus sequence. The variant has been identified in 0.01% (1/8600) of European A merican chromosomes by the NHLBI Exome Sequencing Project (dbSNP rs370239223).